The following is an entry in ClinVar:

ClinVar aggregate classification (germline): Uncertain significance. Review status: criteria provided, single submitter (1 of 4 stars). 2 submissions from 2 submitters: Uncertain significance (1). 1 of the submissions does not count toward it. Last evaluated 2021-08-31.

Conditions:
Usher syndrome type 1F (USH1F). Also called: USHER SYNDROME, TYPE IF. Identifiers: Orphanet 231169, Orphanet 886, MedGen C1865885, MONDO:0011186, OMIM 602083.

Allele frequency attached by ClinVar (database versions not stated): gnomAD exomes 0.00001.
gnomAD v4.1: 21 of 1,614,138 alleles (0.0013%); highest among the groups gnomAD compares: Non-Finnish European, 0.0018%; no homozygotes.

Submissions (2):

Labcorp Genetics (formerly Invitae), Labcorp
Classification: Uncertain significance. Last evaluated: 2021-08-31. Review status: criteria provided, single submitter. Criteria: Invitae Variant Classification Sherloc (09022015). Collection method: clinical testing. Allele origin: germline.
Comment: This sequence change replaces leucine with proline at codon 1025 of the PCDH15 protein (p.Leu1025Pro). The leucine residue is moderately conserved and there is a moderate physicochemical difference between leucine and proline. This variant is not present in population databases (ExAC no frequency). This variant has not been reported in the literature in individuals affected with PCDH15-related conditions. Algorithms developed to predict the effect of missense changes on protein structure and function are either unavailable or do not agree on the potential impact of this missense change (SIFT: "Tolerated"; PolyPhen-2: "Possibly Damaging"; Align-GVGD: "Class C0"). In summary, the available evidence is currently insufficient to determine the role of this variant in disease. Therefore, it has been classified as a Variant of Uncertain Significance.

Natera, Inc.
Classification: Uncertain significance for Usher syndrome type 1F. Last evaluated: 2021-02-04. Review status: no assertion criteria provided. Collection method: clinical testing. Allele origin: germline. Not counted in ClinVar's aggregate classification.

NM_001384140.1(PCDH15):c.3074T>C (p.Leu1025Pro)

Gene: PCDH15 (protocadherin related 15; minus strand). Cytogenetic location: 10q21.1.
Variant type: single nucleotide variant.
Coding change: c.3074T>C on transcript NM_001384140.1 (MANE Select); coding-DNA position 3074, T replaced by C.
Protein change: p.Leu1025Pro; replaces leucine 1025 with proline.
Molecular consequence: missense variant.
Genome position (GRCh38, 1-based): chr10:53,959,780, A>G on the plus strand (T>C on the coding strand, the complement: PCDH15 is on the minus strand). VCF-style: chr10-53959780-A-G. GRCh37 (hg19) VCF-style: chr10-55719540-A-G.
Other names: c.3089T>C, p.Leu1030Pro (NM_001142763.2, NM_001142771.2); c.3074T>C, p.Leu1025Pro (NM_001142764.2, NM_001142766.2, NM_001142770.3 and 4 more transcripts); c.2861T>C, p.Leu954Pro (NM_001142765.2); c.2963T>C, p.Leu988Pro (NM_001142767.2); c.3008T>C, p.Leu1003Pro (NM_001142768.2, NM_001142773.2, NM_001354404.2); c.3110T>C, p.Leu1037Pro (NM_001142769.4); c.3095T>C, p.Leu1032Pro (NM_001354411.2); short protein forms L1025P, L954P, L1003P, L1030P, L988P, L1032P, L1037P.
Identifiers: ClinVar variation 850804 (VCV000850804.8), dbSNP rs2088082400, ClinGen allele CA376520944.
Genomic context (GRCh38, chr10:53,959,780, plus strand): 5'-AGAAATCAATACCTATATTCCTCCTGTGTGAAGCGTGGGATCTCACCAGGATGTAAGACA[A>G]GAATCTTCACTGTGGCACTGCTGGACATCACAGGCTCCCCATCATCAAAAGCAACCACCA-3'
Protein context (NP_001371069.1, residues 1015-1035): VMSSSATVKI[Leu1025Pro]VLHPGEIPRF